The following is an entry in ClinVar:

NM_001453.3(FOXC1):c.755C>T (p.Ala252Val)

Gene: FOXC1 (forkhead box C1; plus strand). Cytogenetic location: 6p25.3.
Variant type: single nucleotide variant.
Coding change: c.755C>T on transcript NM_001453.3 (MANE Select); coding-DNA position 755, C replaced by T.
Protein change: p.Ala252Val; replaces alanine 252 with valine.
Molecular consequence: missense variant.
Genome position (GRCh38, 1-based): chr6:1,611,200, C>T. VCF-style: chr6-1611200-C-T. GRCh37 (hg19) VCF-style: chr6-1611435-C-T.
Other names: short protein forms A252V.
Identifiers: ClinVar variation 1416684 (VCV001416684.6), dbSNP rs1259243589, ClinGen allele CA362559498.

ClinVar aggregate classification (germline): Uncertain significance (1 of 4 stars; one submission).

Conditions:
Axenfeld-Rieger syndrome type 3 (RIEG3). Also called: AXENFELD-RIEGER ANOMALY WITH CARDIAC DEFECTS AND/OR SENSORINEURAL HEARING LOSS. Identifiers: Orphanet 782, MedGen C2678503, MONDO:0011233, OMIM 602482.

Allele frequency attached by ClinVar (database versions not stated): gnomAD 0.00001; gnomAD exomes 0.00001; TOPMed 0.00001; 1000 Genomes Project 30x 0.00016.
gnomAD v4.1: 10 of 1,459,992 alleles (0.00068%); highest among the groups gnomAD compares: Admixed American, 0.0045%; no homozygotes.

Submission:

Labcorp Genetics (formerly Invitae), Labcorp
Classification: Uncertain significance for Axenfeld-Rieger syndrome type 3. Last evaluated: 2025-08-31. Review status: criteria provided, single submitter. Criteria: Invitae Variant Classification Sherloc (09022015). Collection method: clinical testing. Allele origin: germline.
Comment: This sequence change replaces alanine, which is neutral and non-polar, with valine, which is neutral and non-polar, at codon 252 of the FOXC1 protein (p.Ala252Val). This variant is not present in population databases (gnomAD no frequency). This variant has not been reported in the literature in individuals affected with FOXC1-related conditions. ClinVar contains an entry for this variant (Variation ID: 1416684). An algorithm developed to predict the effect of missense changes on protein structure and function (PolyPhen-2) suggests that this variant is likely to be tolerated. In summary, the available evidence is currently insufficient to determine the role of this variant in disease. Therefore, it has been classified as a Variant of Uncertain Significance.